The following is an entry in ClinVar:

ClinVar aggregate classification (germline): Likely benign. Review status: criteria provided, multiple submitters, no conflicts (2 of 4 stars). 2 submissions from 2 submitters: Likely benign (2). Last evaluated 2023-12-01.

Conditions:
Developmental and epileptic encephalopathy, 14 (DEE14). Also called: Early infantile epileptic encephalopathy 14. Identifiers: Orphanet 293181, MedGen C3554195, MONDO:0013989, OMIM 614959.
Autosomal dominant nocturnal frontal lobe epilepsy 5. Also called: CILIARY DYSKINESIA, PRIMARY, 28, WITHOUT SITUS INVERSUS; CILIARY DYSKINESIA, PRIMARY, 28, WITH SITUS INVERSUS; KCNT1-Related Epilepsy; Epilepsy, nocturnal frontal lobe, 5. Identifiers: Orphanet 98784, MedGen C3554306, MONDO:0014002, OMIM 615005.

Allele frequency attached by ClinVar (database versions not stated): gnomAD 0.00001; TOPMed 0.00001; gnomAD exomes 0.00002 and 0.00005; ExAC 0.00004.
gnomAD v4.1: 28 of 1,613,946 alleles (0.0017%); highest among the groups gnomAD compares: South Asian, 0.027%; 1 homozygote.

Submissions (2):

CeGaT Center for Human Genetics Tuebingen
Classification: Likely benign. Last evaluated: 2023-12-01. Review status: criteria provided, single submitter. Criteria: CeGaT Center For Human Genetics Tuebingen Variant Classification Criteria Version 2. Collection method: clinical testing. Allele origin: germline. Affected: yes. Observed: 1 variant allele.
Comment: KCNT1: BP4, BP7

Labcorp Genetics (formerly Invitae), Labcorp
Classification: Likely benign for Autosomal dominant nocturnal frontal lobe epilepsy 5; Developmental and epileptic encephalopathy, 14. Last evaluated: 2020-02-19. Review status: criteria provided, single submitter. Criteria: Invitae Variant Classification Sherloc (09022015). Collection method: clinical testing. Allele origin: germline.

NM_020822.3(KCNT1):c.2421A>G (p.Ala807=)

Gene: KCNT1 (potassium sodium-activated channel subfamily T member 1; plus strand). Cytogenetic location: 9q34.3.
Variant type: single nucleotide variant.
Coding change: c.2421A>G on transcript NM_020822.3 (MANE Select); coding-DNA position 2421, A replaced by G.
Protein change: p.Ala807=; no amino-acid change (alanine 807 retained).
Molecular consequence: synonymous variant.
Genome position (GRCh38, 1-based): chr9:135,777,409, A>G. VCF-style: chr9-135777409-A-G. GRCh37 (hg19) VCF-style: chr9-138669255-A-G.
Other names: c.2286A>G, p.Ala762= (NM_001272003.2).
Identifiers: ClinVar variation 1078296 (VCV001078296.31), dbSNP rs765974520, ClinGen allele CA5327303.